The following is an entry in ClinVar:

NM_006904.7(PRKDC):c.2815A>C (p.Met939Leu)

Gene: PRKDC (protein kinase, DNA-activated, catalytic subunit; minus strand). Cytogenetic location: 8q11.21.
Variant type: single nucleotide variant.
Coding change: c.2815A>C on transcript NM_006904.7 (MANE Select); coding-DNA position 2815, A replaced by C.
Protein change: p.Met939Leu; replaces methionine 939 with leucine.
Molecular consequence: missense variant.
Genome position (GRCh38, 1-based): chr8:47,912,529, T>G on the plus strand (A>C on the coding strand, the complement: PRKDC is on the minus strand). VCF-style: chr8-47912529-T-G. GRCh37 (hg19) VCF-style: chr8-48825089-T-G.
Other names: c.2815A>C, p.Met939Leu (NM_001081640.2); short protein forms M939L.
Identifiers: ClinVar variation 1796369 (VCV001796369.2), dbSNP rs1416883354, ClinGen allele CA371158904.

ClinVar aggregate classification (germline): Uncertain significance (1 of 4 stars; one submission).

gnomAD v4.1: 8 of 1,612,692 alleles (0.0005%); highest among the groups gnomAD compares: Non-Finnish European, 0.00068%; no homozygotes.

Submission:

Ambry Genetics
Classification: Uncertain significance. Last evaluated: 2021-09-01. Review status: criteria provided, single submitter. Criteria: Ambry Variant Classification Scheme 2023. Collection method: clinical testing. Allele origin: germline.
Comment: The p.M939L variant (also known as c.2815A>C), located in coding exon 25 of the PRKDC gene, results from an A to C substitution at nucleotide position 2815. The methionine at codon 939 is replaced by leucine, an amino acid with highly similar properties. This amino acid position is conserved. In addition, this alteration is predicted to be tolerated by in silico analysis. Since supporting evidence is limited at this time, the clinical significance of this alteration remains unclear.